The following is an entry in ClinVar:

NM_001379291.1(BRD4):c.3603C>T (p.Ser1201=)

Gene: BRD4 (bromodomain containing 4; minus strand). Cytogenetic location: 19p13.12.
Variant type: single nucleotide variant.
Coding change: c.3603C>T on transcript NM_001379291.1 (MANE Select); coding-DNA position 3603, C replaced by T.
Protein change: p.Ser1201=; no amino-acid change (serine 1201 retained).
Molecular consequence: synonymous variant.
Genome position (GRCh38, 1-based): chr19:15,239,238, G>A on the plus strand (C>T on the coding strand, the complement: BRD4 is on the minus strand). VCF-style: chr19-15239238-G-A. GRCh37 (hg19) VCF-style: chr19-15350049-G-A.
Other names: c.3603C>T, p.Ser1201= (NM_058243.3).
Identifiers: ClinVar variation 2055696 (VCV002055696.28), dbSNP rs766976215, ClinGen allele CA9264575.
Genomic context (GRCh38, chr19:15,239,238, plus strand): 5'-GCTGGATGACTTGGCTGTGGAGGAGGGGGTGGTCGGATGCTTCTGCACTAGGCTGGCCCA[G>A]GAGCCCATGTTCTTGATTTTCAGGTCCTGCAGAACAGAGAGGTTGGGGTGGGTGAGGGGT-3'
Protein context (NP_001366220.1, residues 1191-1211): KKDLKIKNMG[Ser1201=]WASLVQKHPT

ClinVar aggregate classification (germline): Likely benign. Review status: criteria provided, multiple submitters, no conflicts (2 of 4 stars). 2 submissions from 2 submitters: Likely benign (2). Last evaluated 2025-07-21.

Allele frequency attached by ClinVar (database versions not stated): TOPMed 0.00001; ExAC 0.00002; gnomAD exomes 0.00002.
gnomAD v4.1: 30 of 1,613,118 alleles (0.0019%); highest among the groups gnomAD compares: Admixed American, 0.0067%; no homozygotes.

Submissions (2):

Labcorp Genetics (formerly Invitae), Labcorp
Classification: Likely benign. Last evaluated: 2025-07-21. Review status: criteria provided, single submitter. Criteria: Invitae Variant Classification Sherloc (09022015). Collection method: clinical testing. Allele origin: germline.

CeGaT Center for Human Genetics Tuebingen
Classification: Likely benign. Last evaluated: 2022-08-01. Review status: criteria provided, single submitter. Criteria: CeGaT Center For Human Genetics Tuebingen Variant Classification Criteria Version 2. Collection method: clinical testing. Allele origin: germline. Affected: yes. Observed: 1 variant allele.
Comment: BRD4: BP4, BP7